The following is an entry in ClinVar:

NM_006231.4(POLE):c.5611A>G (p.Ile1871Val)

Gene: POLE (DNA polymerase epsilon, catalytic subunit; minus strand). Cytogenetic location: 12q24.33.
Variant type: single nucleotide variant.
Coding change: c.5611A>G on transcript NM_006231.4 (MANE Select); coding-DNA position 5611, A replaced by G.
Protein change: p.Ile1871Val; replaces isoleucine 1871 with valine.
Molecular consequence: missense variant.
Genome position (GRCh38, 1-based): chr12:132,638,081, T>C on the plus strand (A>G on the coding strand, the complement: POLE is on the minus strand). VCF-style: chr12-132638081-T-C. GRCh37 (hg19) VCF-style: chr12-133214667-T-C.
Other names: short protein forms I1871V.
Identifiers: ClinVar variation 540792 (VCV000540792.15), dbSNP rs752955761, ClinGen allele CA6892460.
Genomic context (GRCh38, chr12:132,638,081, plus strand): 5'-TGATGTACTCCACGTAAGCGATGGCATCTTCCACACGGCGCTTCTTTGTACAGAGGATGA[T>C]GCGGTTGAAGTTGGCGTAGATGACTGATGACCCCAGGCGCTTGAACTCAGCGATGAGCCT-3'
Protein context (NP_006222.2, residues 1861-1881): SSVIYANFNR[Ile1871Val]ILCTKKRRVE

ClinVar aggregate classification (germline): Conflicting classifications of pathogenicity. Review status: criteria provided, conflicting classifications (1 of 4 stars). 3 submissions from 3 submitters: Uncertain significance (2); Likely benign (1). Last evaluated 2025-05-28.

Conditions:
Hereditary cancer-predisposing syndrome. Also called: Neoplastic Syndromes, Hereditary; Hereditary Cancer Syndrome; Hereditary neoplastic syndrome; Tumor predisposition. Identifiers: Orphanet 140162, MedGen C0027672, MeSH D009386, MONDO:0015356.

Allele frequency attached by ClinVar (database versions not stated): gnomAD 0.00001; gnomAD exomes 0.00001; ExAC 0.00002.
gnomAD v4.1: 11 of 1,613,820 alleles (0.00068%); highest among the groups gnomAD compares: Non-Finnish European, 0.00093%; no homozygotes.

Submissions (3):

Labcorp Genetics (formerly Invitae), Labcorp
Classification: Uncertain significance. Last evaluated: 2025-05-28. Review status: criteria provided, single submitter. Criteria: Invitae Variant Classification Sherloc (09022015). Collection method: clinical testing. Allele origin: germline.
Comment: This sequence change replaces isoleucine, which is neutral and non-polar, with valine, which is neutral and non-polar, at codon 1871 of the POLE protein (p.Ile1871Val). This variant is present in population databases (rs752955761, gnomAD 0.002%). This variant has not been reported in the literature in individuals affected with POLE-related conditions. ClinVar contains an entry for this variant (Variation ID: 540792). Invitae Evidence Modeling of protein sequence and biophysical properties (such as structural, functional, and spatial information, amino acid conservation, physicochemical variation, residue mobility, and thermodynamic stability) indicates that this missense variant is not expected to disrupt POLE protein function with a negative predictive value of 80%. In summary, the available evidence is currently insufficient to determine the role of this variant in disease. Therefore, it has been classified as a Variant of Uncertain Significance.

Ambry Genetics
Classification: Likely benign for Hereditary cancer-predisposing syndrome. Last evaluated: 2025-04-30. Review status: criteria provided, single submitter. Criteria: Ambry Variant Classification Scheme 2023. Collection method: clinical testing. Allele origin: germline.

GeneDx
Classification: Uncertain significance. Last evaluated: 2022-06-25. Review status: criteria provided, single submitter. Criteria: GeneDx Variant Classification Process June 2021. Collection method: clinical testing. Allele origin: germline. Affected: yes.
Comment: Not observed at significant frequency in large population cohorts (gnomAD); In silico analysis supports that this missense variant does not alter protein structure/function; Has not been previously published as pathogenic or benign to our knowledge